The following is an entry in ClinVar:

NM_138295.5(PKD1L1):c.7825C>T (p.Gln2609Ter)

Genes: PKD1L1 (polycystin 1 like 1, transient receptor potential channel interacting; minus strand), PKD1L1-AS1 (PKD1L1 antisense RNA 1; plus strand). Cytogenetic location: 7p12.3.
Variant type: single nucleotide variant.
Coding change: c.7825C>T on transcript NM_138295.5 (MANE Select); coding-DNA position 7825, C replaced by T.
Protein change: p.Gln2609Ter; replaces glutamine 2609 with a stop codon.
Molecular consequence: nonsense.
Genome position (GRCh38, 1-based): chr7:47,808,249, G>A on the plus strand (C>T on the coding strand, the complement: PKD1L1 is on the minus strand). VCF-style: chr7-47808249-G-A. GRCh37 (hg19) VCF-style: chr7-47847847-G-A.
Other names: short protein forms Q2609*.
Identifiers: ClinVar variation 3075968 (VCV003075968.1), dbSNP rs1368668141, ClinGen allele CA367469224.

ClinVar aggregate classification (germline): Likely pathogenic (1 of 4 stars; one submission).

Conditions:
Situs inversus. Also called: Situs inversus totalis. Identifiers: Orphanet 101063, MedGen C4551493, MONDO:0010029, HP:0001696.

Allele frequency attached by ClinVar (database versions not stated): gnomAD exomes below 0.00001; TOPMed below 0.00001; gnomAD 0.00001.
gnomAD v4.1: 2 of 1,614,020 alleles (0.00012%); highest among the groups gnomAD compares: African/African-American, 0.0013%; no homozygotes.

Submission:

Laboratory for Molecular Medicine, Mass General Brigham Personalized Medicine
Classification: Likely pathogenic for Situs inversus. Last evaluated: 2024-01-05. Review status: criteria provided, single submitter. Criteria: ACMG Guidelines, 2015. Collection method: clinical testing. Allele origin: germline. Inheritance: Autosomal recessive inheritance.
Comment: The p.Gln2609X variant in PKD1L1 has not been previously reported in individuals with heterotaxy but has been identified in 0.002% (1/41434) of African chromosomes by gnomAD (v.3.2.1). This nonsense variant leads to a premature termination codon at position 2609, which is predicted to lead to a truncated or absent protein. Biallelic loss of function variants in the PKD1L1 gene have been reported in many individuals with autosomal recessive heterotaxy, including situs inversus (Vetrini 2016 PMID: 27616478, Vogel 2010 PMID: 20080492, Correa 2021 PMID: 33655537). Additionally, PKD1L1 knockout mouse models showed reduced viability, but one third of the surviving mice had situs inversus (Vogel 2010 PMID: 20080492). Additional phenotyping on this mouse models showed a randomized laterality of the heart and stomach and left-lung isomerism (Grimes 2016 PMID: 27272319). In summary, although additional studies are required to fully establish its clinical significance, this variant meets criteria to be classified as likely pathogenic for autosomal recessive heterotaxy. ACMG/AMP Criteria applied: PVS1, PM2_Supporting.

Literature cited by the submitters: PubMed 27616478; PubMed 33655537; PubMed 20080492; PubMed 27272319.